The following is an entry in ClinVar:

ClinVar aggregate classification (germline): Pathogenic (1 of 4 stars; one submission).

Conditions:
Neurofibromatosis, type 1 (NF1). Also called: VON RECKLINGHAUSEN DISEASE; Peripheral type neurofibromatosis; Neurofibromatosis, type I; NEUROFIBROMATOSIS, TYPE I, SOMATIC. Identifiers: Orphanet 636, MedGen C0027831, MONDO:0018975, OMIM 162200. Disease mechanism: loss of function.

Submission:

Labcorp Genetics (formerly Invitae), Labcorp
Classification: Pathogenic for Neurofibromatosis, type 1. Last evaluated: 2021-02-18. Review status: criteria provided, single submitter. Criteria: Invitae Variant Classification Sherloc (09022015). Collection method: clinical testing. Allele origin: germline.
Comment: For these reasons, this variant has been classified as Pathogenic. Algorithms developed to predict the effect of sequence changes on RNA splicing suggest that this variant may create or strengthen a splice site, but this prediction has not been confirmed by published transcriptional studies. This variant has not been reported in the literature in individuals with NF1-related conditions. This variant is not present in population databases (ExAC no frequency). This sequence change creates a premature translational stop signal (p.Tyr2377*) in the NF1 gene. It is expected to result in an absent or disrupted protein product. Loss-of-function variants in NF1 are known to be pathogenic (PMID: 10712197, 23913538).

Literature cited by the submitters: PubMed 10712197; PubMed 23913538.

NM_001042492.3(NF1):c.7194C>A (p.Tyr2398Ter)

Gene: NF1 (neurofibromin 1; plus strand). Cytogenetic location: 17q11.2.
Variant type: single nucleotide variant.
Coding change: c.7194C>A on transcript NM_001042492.3 (MANE Select); coding-DNA position 7194, C replaced by A.
Protein change: p.Tyr2398Ter; replaces tyrosine 2398 with a stop codon.
Molecular consequence: nonsense.
Genome position (GRCh38, 1-based): chr17:31,349,124, C>A. VCF-style: chr17-31349124-C-A. GRCh37 (hg19) VCF-style: chr17-29676142-C-A.
Other names: c.7131C>A, p.Tyr2377Ter (NM_000267.4); short protein forms Y2377*, Y2398*.
Identifiers: ClinVar variation 1351774 (VCV001351774.6), dbSNP rs2070073649, ClinGen allele CA399016658.
Genomic context (GRCh38, chr17:31,349,124, plus strand): 5'-TTGTTCAAAAAATTAATTCTTACTTGTTTGTTTGTTTGTTTGTTTGTTTTTTGTAGGGTA[C>A]AGGCATCCTTCACCTGCTATTGTTGCAAGAACAGTCAGAATTTTACATACACTACTAACT-3'